The following is an entry in ClinVar:

ClinVar aggregate classification (germline): Pathogenic (1 of 4 stars; one submission).

Conditions:
Kabuki syndrome. Also called: NIIKAWA-KUROKI SYNDROME; Kabuki make-up syndrome. Identifiers: Orphanet 2322, MedGen C0796004, MONDO:0016512.

Submission:

Labcorp Genetics (formerly Invitae), Labcorp
Classification: Pathogenic for Kabuki syndrome. Last evaluated: 2022-08-19. Review status: criteria provided, single submitter. Criteria: Invitae Variant Classification Sherloc (09022015). Collection method: clinical testing. Allele origin: germline.
Comment: For these reasons, this variant has been classified as Pathogenic. This variant has not been reported in the literature in individuals affected with KMT2D-related conditions. This variant is not present in population databases (gnomAD no frequency). This sequence change creates a premature translational stop signal (p.Leu256Argfs*5) in the KMT2D gene. It is expected to result in an absent or disrupted protein product. Loss-of-function variants in KMT2D are known to be pathogenic (PMID: 22126750).

Literature cited by the submitters: PubMed 22126750.

NM_003482.4(KMT2D):c.767del (p.Leu256fs)

Gene: KMT2D (lysine methyltransferase 2D; minus strand). Cytogenetic location: 12q13.12.
Variant type: Deletion.
Coding change: c.767del on transcript NM_003482.4 (MANE Select); coding-DNA position 767, one base deleted (T; older notation c.767delT).
Protein change: p.Leu256fs; shifts the reading frame from leucine 256.
Molecular consequence: frameshift variant.
Genome position (GRCh38, 1-based): chr12:49,053,548, A deleted on the plus strand (T on the coding strand, the reverse complement: KMT2D is on the minus strand). VCF-style (leftmost placement, unchanged base first): chr12-49053547-CA-C. GRCh37 (hg19) VCF-style: chr12-49447330-CA-C.
Other names: short protein forms L256fs.
Identifiers: ClinVar variation 2025057 (VCV002025057.4), dbSNP rs2498465708, ClinGen allele CA2575144961.
Genomic context (GRCh38, chr12:49,053,547, plus strand): 5'-GCACACTTTGCATTCAGGGCACTGCCAGCCAGCACGTTTGCGGGCAGTCAGAGCAGTGTC[CA>C]GGCAGGCCCCGTGATAGTGATGCCCACAGCTGGTACAGAAGAACAGGTCACACAACTCCC-3'